The following is an entry in ClinVar:

ClinVar aggregate classification (germline): Pathogenic (1 of 4 stars; one submission).

Conditions:
Hereditary breast ovarian cancer syndrome. Also called: Hereditary breast and ovarian cancer syndrome (HBOC); Breast and ovarian cancer; BRCA1- and BRCA2-Associated Hereditary Breast and Ovarian Cancer; Hereditary breast and ovarian cancer syndrome; Hereditary breast and ovarian cancer; Hereditary breast and/or ovarian cancer syndrome. Identifiers: Orphanet 145, MedGen C0677776, MeSH D061325, MONDO:0003582. Disease mechanism: loss of function.

Submission:

Labcorp Genetics (formerly Invitae), Labcorp
Classification: Pathogenic for Hereditary breast ovarian cancer syndrome. Last evaluated: 2023-03-13. Review status: criteria provided, single submitter. Criteria: Invitae Variant Classification Sherloc (09022015). Collection method: clinical testing. Allele origin: germline.
Comment: For these reasons, this variant has been classified as Pathogenic. This variant has not been reported in the literature in individuals affected with BRCA2-related conditions. This variant is not present in population databases (gnomAD no frequency). This sequence change creates a premature translational stop signal (p.Glu2918*) in the BRCA2 gene. It is expected to result in an absent or disrupted protein product. Loss-of-function variants in BRCA2 are known to be pathogenic (PMID: 20104584).

Literature cited by the submitters: PubMed 20104584.

NM_000059.4(BRCA2):c.8752G>T (p.Glu2918Ter)

Gene: BRCA2 (BRCA2 DNA repair associated; plus strand). Cytogenetic location: 13q13.1.
Variant type: single nucleotide variant.
Coding change: c.8752G>T on transcript NM_000059.4 (MANE Select); coding-DNA position 8752, G replaced by T.
Protein change: p.Glu2918Ter; replaces glutamic acid 2918 with a stop codon.
Molecular consequence: nonsense. On other transcripts: non-coding transcript variant (1).
Genome position (GRCh38, 1-based): chr13:32,376,789, G>T. VCF-style: chr13-32376789-G-T. GRCh37 (hg19) VCF-style: chr13-32950926-G-T.
Other names: c.8656G>T, p.Glu2886Ter (NM_001406719.1); c.8752G>T, p.Glu2918Ter (NM_001406720.1); c.3820G>T, p.Glu1274Ter (NM_001406721.1); c.2335G>T, p.Glu779Ter (NM_001406722.1); short protein forms E1274*, E2886*, E2918*, E779*.
Identifiers: ClinVar variation 2845510 (VCV002845510.3), dbSNP rs1555288179, ClinGen allele CA387755091.